The following is an entry in ClinVar:

NM_152906.7(TANGO2):c.266-5T>C

Gene: TANGO2 (transport and golgi organization 2 homolog; plus strand). Cytogenetic location: 22q11.21.
Variant type: single nucleotide variant.
Coding change: c.266-5T>C on transcript NM_152906.7 (MANE Select); 5 bases into the intron before coding-DNA position 266, T replaced by C.
Molecular consequence: intron variant. On other transcripts: synonymous variant (3).
Genome position (GRCh38, 1-based): chr22:20,053,432, T>C. VCF-style: chr22-20053432-T-C. GRCh37 (hg19) VCF-style: chr22-20040955-T-C.
Other names: c.159T>C (NM_001322160.1); c.159T>C, p.Pro53= (NM_001322146.2, NM_001322148.2, NM_001322160.2); c.266-5T>C (NM_001283106.3, NM_001283154.3, NM_001283199.3 and 3 more transcripts); c.265+848T>C (NM_001322163.2, NM_001283179.3, NM_001322167.2 and 4 more transcripts); c.86+848T>C (NM_001322174.2, NM_001322172.2, NM_001322175.2 and 6 more transcripts); c.389-5T>C (NM_001322143.2, NM_001322141.2, NM_001283129.3 and 3 more transcripts); c.388+848T>C (NM_001322145.2, NM_001322147.2).
Identifiers: ClinVar variation 1919152 (VCV001919152.6), dbSNP rs374532306, ClinGen allele CA10106278.

ClinVar aggregate classification (germline): Likely benign. Review status: criteria provided, multiple submitters, no conflicts (2 of 4 stars). 2 submissions from 2 submitters: Likely benign (2). Last evaluated 2025-10-03.

Conditions:
TANGO2-related disorder. Also called: TANGO2-related condition.

Allele frequency attached by ClinVar (database versions not stated): ExAC 0.00001; gnomAD 0.00002; gnomAD exomes 0.00002; TOPMed 0.00002; ESP Exome Variant Server 0.00008.
gnomAD v4.1: 39 of 1,597,840 alleles (0.0024%); highest among the groups gnomAD compares: Non-Finnish European, 0.0032%; no homozygotes.

Submissions (2):

Labcorp Genetics (formerly Invitae), Labcorp
Classification: Likely benign. Last evaluated: 2025-10-03. Review status: criteria provided, single submitter. Criteria: Invitae Variant Classification Sherloc (09022015). Collection method: clinical testing. Allele origin: germline.

PreventionGenetics, part of Exact Sciences
Classification: Likely benign for TANGO2-related condition. Last evaluated: 2025-02-21. Review status: criteria provided, single submitter. Criteria: ACMG Guidelines, 2015. Collection method: clinical testing. Allele origin: germline.
Comment: This variant is classified as likely benign based on ACMG/AMP sequence variant interpretation guidelines (Richards et al. 2015 PMID: 25741868, with internal and published modifications).